The following is an entry in ClinVar:

ClinVar aggregate classification (germline): Benign. Review status: criteria provided, multiple submitters, no conflicts (2 of 4 stars). 2 submissions from 2 submitters: Benign (2). Last evaluated 2018-06-14.

Allele frequency attached by ClinVar (database versions not stated): 1000 Genomes Project 30x 0.34681; 1000 Genomes Project 0.34724; TOPMed 0.40618; gnomAD 0.44971.

Submissions (2):

GeneDx
Classification: Benign. Last evaluated: 2018-06-14. Review status: criteria provided, single submitter. Criteria: GeneDx Variant Classification (06012015). Collection method: clinical testing. Allele origin: germline. Affected: yes.
Comment: This variant is considered likely benign or benign based on one or more of the following criteria: it is a conservative change, it occurs at a poorly conserved position in the protein, it is predicted to be benign by multiple in silico algorithms, and/or has population frequency not consistent with disease.

Breakthrough Genomics
Classification: Benign. Review status: criteria provided, single submitter. Criteria: ACMG Guidelines, 2015. Collection method: not provided. Allele origin: germline. Inheritance: Autosomal recessive inheritance. Affected: yes.

NM_006767.3(LZTR1):c.-112A>T

Gene: LZTR1 (leucine zipper like post translational regulator 1; plus strand). Cytogenetic location: 22q11.21.
Variant type: single nucleotide variant.
Coding change: c.-112A>T on transcript NM_006767.3; 112 bases upstream of the start codon, A replaced by T.
Genome position (GRCh38, 1-based): chr22:20,982,260, A>T. VCF-style: chr22-20982260-A-T. GRCh37 (hg19) VCF-style: chr22-21336549-A-T.
Identifiers: ClinVar variation 561400 (VCV000561400.4), dbSNP rs13056784, ClinGen allele CA14934937.